The following is an entry in ClinVar:

NM_000535.7(PMS2):c.240C>T (p.Phe80=)

Gene: PMS2 (PMS1 homolog 2, mismatch repair system component; minus strand). Cytogenetic location: 7p22.1.
Variant type: single nucleotide variant.
Coding change: c.240C>T on transcript NM_000535.7 (MANE Select); coding-DNA position 240, C replaced by T.
Protein change: p.Phe80=; no amino-acid change (phenylalanine 80 retained).
Molecular consequence: synonymous variant. On other transcripts: 5 prime UTR variant (9), nonsense (2), non-coding transcript variant (1).
Genome position (GRCh38, 1-based): chr7:6,003,982, G>A on the plus strand (C>T on the coding strand, the complement: PMS2 is on the minus strand). VCF-style: chr7-6003982-G-A. GRCh37 (hg19) VCF-style: chr7-6043613-G-A.
Other names: p.F80F:TTC>TTT; c.-166C>T (NM_001322003.2, NM_001322004.2, NM_001322005.2 and 3 more transcripts); c.240C>T, p.Phe80= (NM_001322006.2, NM_001322014.2); c.25C>T, p.Arg9Ter (NM_001322007.2, NM_001322008.2); c.-645C>T (NM_001322011.2, NM_001322012.2); c.-245C>T (NM_001322015.2); c.25C>T (NM_001322007.1); short protein forms R9*.
Identifiers: ClinVar variation 138705 (VCV000138705.64), dbSNP rs143162541, ClinGen allele CA011451.

ClinVar aggregate classification (germline): Benign/Likely benign. Review status: criteria provided, multiple submitters, no conflicts (2 of 4 stars). 13 submissions from 13 submitters: Benign (2); Likely benign (10). 1 of the submissions does not count toward it. Last evaluated 2026-01-31.

Conditions:
PMS2-related disorder. Also called: PMS2-related condition.
Hereditary nonpolyposis colorectal neoplasms. Identifiers: MedGen C0009405, MeSH D003123.
Breast and/or ovarian cancer. Identifiers: MedGen CN221562.
Hereditary cancer-predisposing syndrome. Also called: Tumor predisposition; Hereditary neoplastic syndrome; Hereditary Cancer Syndrome; Neoplastic Syndromes, Hereditary. Identifiers: Orphanet 140162, MedGen C0027672, MeSH D009386, MONDO:0015356.
Lynch syndrome. Identifiers: Orphanet 144, MedGen C4552100, MONDO:0005835. Disease mechanism: loss of function.
Lynch syndrome 4 (LYNCH4). Also called: Hereditary non-polyposis colorectal cancer, type 4; Colorectal cancer, hereditary nonpolyposis, type 4. Identifiers: Orphanet 144, MedGen C1838333, MONDO:0013699, OMIM 614337. Disease mechanism: loss of function.

Allele frequency attached by ClinVar (database versions not stated): TOPMed 0.00008; gnomAD 0.00011 and 0.00013; ESP Exome Variant Server 0.00015.
gnomAD v4.1: 160 of 1,595,130 alleles (0.01%); highest among the groups gnomAD compares: Non-Finnish European, 0.012%; no homozygotes.

Submissions (13):

Labcorp Genetics (formerly Invitae), Labcorp
Classification: Likely benign for Hereditary nonpolyposis colorectal neoplasms. Last evaluated: 2026-01-31. Review status: criteria provided, single submitter. Criteria: Invitae Variant Classification Sherloc (09022015). Collection method: clinical testing. Allele origin: germline.

Center for Genomic Medicine, Rigshospitalet, Copenhagen University Hospital
Classification: Likely benign. Last evaluated: 2025-03-04. Review status: criteria provided, single submitter. Criteria: ACMG Guidelines, 2015. Collection method: clinical testing. Allele origin: germline.

Myriad Genetics, Inc.
Classification: Benign for Lynch syndrome 4. Last evaluated: 2025-01-23. Review status: criteria provided, single submitter. Criteria: Myriad Autosomal Dominant, Autosomal Recessive and X-Linked Classification Criteria (2023). Collection method: clinical testing. Allele origin: unknown.
Comment: This variant is considered benign. This variant is a silent/synonymous amino acid change and it is not expected to impact splicing.

Blueprint Genetics
Classification: Likely benign. Last evaluated: 2024-10-14. Review status: criteria provided, single submitter. Criteria: ACMG Guidelines, 2015. Collection method: clinical testing. Allele origin: germline.

CeGaT Center for Human Genetics Tuebingen
Classification: Likely benign. Last evaluated: 2024-08-01. Review status: criteria provided, single submitter. Criteria: CeGaT Center For Human Genetics Tuebingen Variant Classification Criteria Version 2. Collection method: clinical testing. Allele origin: germline. Affected: yes. Observed: 2 variant alleles.
Comment: PMS2: BP7

Department of Pathology and Laboratory Medicine, Sinai Health System
Classification: Likely benign for Lynch syndrome. Last evaluated: 2024-03-14. Review status: criteria provided, single submitter. Criteria: ACMG Guidelines, 2015. Collection method: clinical testing. Allele origin: germline. Affected: yes.

Quest Diagnostics Nichols Institute San Juan Capistrano
Classification: Likely benign. Last evaluated: 2023-06-15. Review status: criteria provided, single submitter. Criteria: Quest Diagnostics criteria. Collection method: clinical testing. Allele origin: unknown.

CHEO Genetics Diagnostic Laboratory, Children's Hospital of Eastern Ontario
Classification: Likely benign for Breast and/or ovarian cancer. Last evaluated: 2022-08-15. Review status: criteria provided, single submitter. Criteria: ACMG Guidelines, 2015. Collection method: clinical testing. Allele origin: germline.

Women's Health and Genetics/Laboratory Corporation of America, LabCorp
Classification: Likely benign. Last evaluated: 2019-08-10. Review status: criteria provided, single submitter. Criteria: LabCorp Variant Classification Summary - May 2015. Collection method: clinical testing. Allele origin: germline.

Color Diagnostics, LLC DBA Color Health
Classification: Likely benign for Hereditary cancer-predisposing syndrome. Last evaluated: 2015-08-04. Review status: criteria provided, single submitter. Criteria: ACMG Guidelines, 2015. Collection method: clinical testing. Allele origin: germline.

Ambry Genetics
Classification: Likely benign for Hereditary cancer-predisposing syndrome. Last evaluated: 2014-07-16. Review status: criteria provided, single submitter. Criteria: Ambry Variant Classification Scheme 2023. Collection method: clinical testing. Allele origin: germline.

GeneDx
Classification: Benign. Last evaluated: 2014-05-08. Review status: criteria provided, single submitter. Criteria: GeneDx Variant Classification (06012015). Collection method: clinical testing. Allele origin: germline. Affected: yes.
Comment: This variant is considered likely benign or benign based on one or more of the following criteria: it is a conservative change, it occurs at a poorly conserved position in the protein, it is predicted to be benign by multiple in silico algorithms, and/or has population frequency not consistent with disease.

PreventionGenetics, part of Exact Sciences
Classification: Likely benign for PMS2-related condition. Last evaluated: 2020-02-11. Review status: no assertion criteria provided. Collection method: clinical testing. Allele origin: germline. Not counted in ClinVar's aggregate classification.
Comment: This variant is classified as likely benign based on ACMG/AMP sequence variant interpretation guidelines (Richards et al. 2015 PMID: 25741868, with internal and published modifications).

Literature cited by the submitters: PubMed 32980694 (cited by Quest Diagnostics Nichols Institute San Juan Capistrano); PubMed 30122538 (cited by Quest Diagnostics Nichols Institute San Juan Capistrano); PubMed 34820595 (cited by Quest Diagnostics Nichols Institute San Juan Capistrano).